The following is an entry in ClinVar:

NM_152703.5(SAMD9L):c.3685G>T (p.Val1229Leu)

Gene: SAMD9L (sterile alpha motif domain containing 9 like; minus strand). Cytogenetic location: 7q21.2.
Variant type: single nucleotide variant.
Coding change: c.3685G>T on transcript NM_152703.5 (MANE Select); coding-DNA position 3685, G replaced by T.
Protein change: p.Val1229Leu; replaces valine 1229 with leucine.
Molecular consequence: missense variant.
Genome position (GRCh38, 1-based): chr7:93,132,287, C>A on the plus strand (G>T on the coding strand, the complement: SAMD9L is on the minus strand). VCF-style: chr7-93132287-C-A. GRCh37 (hg19) VCF-style: chr7-92761600-C-A.
Other names: c.3685G>T, p.Val1229Leu (NM_001303496.3, NM_001303497.3, NM_001303498.3 and 5 more transcripts); short protein forms V1229L.
Identifiers: ClinVar variation 3792369 (VCV003792369.1).

ClinVar aggregate classification (germline): Uncertain significance (1 of 4 stars; one submission).

Conditions:
Inborn genetic diseases. Identifiers: MedGen C0950123, MeSH D030342.

gnomAD v4.1: 8 of 1,613,560 alleles (0.0005%); highest among the groups gnomAD compares: Non-Finnish European, 0.00068%; no homozygotes.

Submission:

Ambry Genetics
Classification: Uncertain significance for Inborn genetic diseases. Last evaluated: 2025-01-31. Review status: criteria provided, single submitter. Criteria: Ambry Variant Classification Scheme 2023. Collection method: clinical testing. Allele origin: germline.
Comment: The p.V1229L variant (also known as c.3685G>T), located in coding exon 1 of the SAMD9L gene, results from a G to T substitution at nucleotide position 3685. The valine at codon 1229 is replaced by leucine, an amino acid with highly similar properties. This amino acid position is conserved. In addition, this alteration is predicted to be tolerated by in silico analysis. Based on the available evidence, the clinical significance of this variant remains unclear.